The following is an entry in ClinVar:

NM_005138.3(SCO2):c.327C>T (p.His109=)

Genes: SCO2 (synthesis of cytochrome C oxidase 2; minus strand), NCAPH2 (non-SMC condensin II complex subunit H2; plus strand). Cytogenetic location: 22q13.33.
Variant type: single nucleotide variant.
Coding change: c.327C>T on transcript NM_005138.3 (MANE Select); coding-DNA position 327, C replaced by T.
Protein change: p.His109=; no amino-acid change (histidine 109 retained).
Molecular consequence: synonymous variant. On other transcripts: 3 prime UTR variant (2).
Genome position (GRCh38, 1-based): chr22:50,524,085, G>A on the plus strand (C>T on the coding strand, the complement: SCO2 is on the minus strand). VCF-style: chr22-50524085-G-A. GRCh37 (hg19) VCF-style: chr22-50962514-G-A.
Other names: p.H109H:CAC>CAT; c.*710G>A (NM_001185011.2, NM_152299.4); c.327C>T, p.His109= (NM_001169109.2, NM_001169110.1, NM_001169111.2).
Identifiers: ClinVar variation 139084 (VCV000139084.21), dbSNP rs75485962, ClinGen allele CA293444.

ClinVar aggregate classification (germline): Benign/Likely benign. Review status: criteria provided, multiple submitters, no conflicts (2 of 4 stars). 5 submissions from 5 submitters: Benign (3); Likely benign (1). 1 of the submissions does not count toward it. Last evaluated 2026-02-04.

Conditions:
Cardioencephalomyopathy, fatal infantile, due to cytochrome c oxidase deficiency 1 (MC4DN2). Also called: CYTOCHROME c OXIDASE DEFICIENCY, FATAL INFANTILE, WITH CARDIOENCEPHALOMYOPATHY; MITOCHONDRIAL COMPLEX IV DEFICIENCY, NUCLEAR TYPE 2. Identifiers: Orphanet 1561, MedGen C5399977, MONDO:0011451, OMIM 604377.

Allele frequency attached by ClinVar (database versions not stated): gnomAD 0.02713; TOPMed 0.02955; 1000 Genomes Project 0.02995; 1000 Genomes Project 30x 0.03107; ESP Exome Variant Server 0.03252.
gnomAD v4.1: 8,928 of 1,613,126 alleles (0.55%); highest among the groups gnomAD compares: African/African-American, 9.3%; 340 homozygotes.

Submissions (5):

Labcorp Genetics (formerly Invitae), Labcorp
Classification: Benign. Last evaluated: 2026-02-04. Review status: criteria provided, single submitter. Criteria: Invitae Variant Classification Sherloc (09022015). Collection method: clinical testing. Allele origin: germline.

Illumina Laboratory Services, Illumina
Classification: Benign for Cardioencephalomyopathy, fatal infantile, due to cytochrome c oxidase deficiency 1. Last evaluated: 2018-01-12. Review status: criteria provided, single submitter. Criteria: ICSL Variant Classification Criteria 13 December 2019. Collection method: clinical testing. Allele origin: germline.
Comment: This variant was observed in the ICSL laboratory as part of a predisposition screen in an ostensibly healthy population. It had not been previously curated by ICSL or reported in the Human Gene Mutation Database (HGMD: prior to June 1st, 2018), and was therefore a candidate for classification through an automated scoring system. Utilizing variant allele frequency, disease prevalence and penetrance estimates, and inheritance mode, an automated score was calculated to assess if this variant is too frequent to cause the disease. Based on the score and internal cut-off values, a variant classified as benign is not then subjected to further curation. The score for this variant resulted in a classification of benign for this disease.

GeneDx
Classification: Benign. Last evaluated: 2014-01-04. Review status: criteria provided, single submitter. Criteria: GeneDx Variant Classification (06012015). Collection method: clinical testing. Allele origin: germline. Affected: yes.
Comment: This variant is considered likely benign or benign based on one or more of the following criteria: it is a conservative change, it occurs at a poorly conserved position in the protein, it is predicted to be benign by multiple in silico algorithms, and/or has population frequency not consistent with disease.

Breakthrough Genomics
Classification: Likely benign. Review status: criteria provided, single submitter. Criteria: ACMG Guidelines, 2015. Collection method: not provided. Allele origin: germline. Inheritance: Autosomal recessive inheritance. Affected: yes.

Mayo Clinic Laboratories, Mayo Clinic
Classification: Benign. Last evaluated: 2016-02-29. Review status: no assertion criteria provided. Collection method: clinical testing. Allele origin: unknown. Not counted in ClinVar's aggregate classification.